The following is an entry in ClinVar:

ClinVar aggregate classification (germline): Uncertain significance. Review status: criteria provided, multiple submitters, no conflicts (2 of 4 stars). 2 submissions from 2 submitters: Uncertain significance (2). Last evaluated 2025-10-16.

Conditions:
Primary ciliary dyskinesia. Also called: Ciliary dyskinesia. Identifiers: Orphanet 244, MedGen C0008780, MONDO:0016575, HP:0012265.

Allele frequency attached by ClinVar (database versions not stated): TOPMed below 0.00001; ExAC 0.00001.
gnomAD v4.1: 2 of 1,614,044 alleles (0.00012%); highest among the groups gnomAD compares: Admixed American, 0.0033%; no homozygotes.

Submissions (2):

Labcorp Genetics (formerly Invitae), Labcorp
Classification: Uncertain significance for Primary ciliary dyskinesia. Last evaluated: 2025-10-16. Review status: criteria provided, single submitter. Criteria: Invitae Variant Classification Sherloc (09022015). Collection method: clinical testing. Allele origin: germline.
Comment: This sequence change replaces lysine, which is basic and polar, with arginine, which is basic and polar, at codon 223 of the RSPH9 protein (p.Lys223Arg). This variant is present in population databases (rs772608546, gnomAD 0.006%). This variant has not been reported in the literature in individuals affected with RSPH9-related conditions. ClinVar contains an entry for this variant (Variation ID: 1754890). An algorithm developed to predict the effect of missense changes on protein structure and function outputs the following: PolyPhen-2: "Benign". The arginine amino acid residue is found in multiple mammalian species, which suggests that this missense change does not adversely affect protein function. In summary, the available evidence is currently insufficient to determine the role of this variant in disease. Therefore, it has been classified as a Variant of Uncertain Significance.

Ambry Genetics
Classification: Uncertain significance for Primary ciliary dyskinesia. Last evaluated: 2022-12-23. Review status: criteria provided, single submitter. Criteria: Ambry Variant Classification Scheme 2023. Collection method: clinical testing. Allele origin: germline.
Comment: The p.K223R variant (also known as c.668A>G), located in coding exon 4 of the RSPH9 gene, results from an A to G substitution at nucleotide position 668. The lysine at codon 223 is replaced by arginine, an amino acid with highly similar properties. This amino acid position is not well conserved in available vertebrate species, and arginine is the reference amino acid in other vertebrate species. In addition, this alteration is predicted to be tolerated by in silico analysis. Since supporting evidence is limited at this time, the clinical significance of this alteration remains unclear.

NM_152732.5(RSPH9):c.668A>G (p.Lys223Arg)

Gene: RSPH9 (radial spoke head component 9; plus strand). Cytogenetic location: 6p21.1.
Variant type: single nucleotide variant.
Coding change: c.668A>G on transcript NM_152732.5 (MANE Select); coding-DNA position 668, A replaced by G.
Protein change: p.Lys223Arg; replaces lysine 223 with arginine.
Molecular consequence: missense variant. On other transcripts: non-coding transcript variant (2).
Genome position (GRCh38, 1-based): chr6:43,656,721, A>G. VCF-style: chr6-43656721-A-G. GRCh37 (hg19) VCF-style: chr6-43624458-A-G.
Other names: c.623A>G, p.Lys208Arg (NM_001193341.2, NM_001424120.1); c.668A>G, p.Lys223Arg (NM_001424119.1, NM_001424121.1); short protein forms K208R, K223R.
Identifiers: ClinVar variation 1754890 (VCV001754890.4), dbSNP rs772608546, ClinGen allele CA3828354.